The following is an entry in ClinVar:

ClinVar aggregate classification (germline): Uncertain significance (1 of 4 stars; one submission).

Allele frequency attached by ClinVar (database versions not stated): gnomAD exomes below 0.00001; TOPMed below 0.00001.
gnomAD v4.1: 6 of 1,610,572 alleles (0.00037%); highest among the groups gnomAD compares: South Asian, 0.0033%; 1 homozygote.

Submission:

Labcorp Genetics (formerly Invitae), Labcorp
Classification: Uncertain significance. Last evaluated: 2022-11-20. Review status: criteria provided, single submitter. Criteria: Invitae Variant Classification Sherloc (09022015). Collection method: clinical testing. Allele origin: germline.
Comment: This sequence change replaces arginine, which is basic and polar, with cysteine, which is neutral and slightly polar, at codon 312 of the TBXA2R protein (p.Arg312Cys). The frequency data for this variant in the population databases is considered unreliable, as metrics indicate poor data quality at this position in the gnomAD database. This variant has not been reported in the literature in individuals affected with TBXA2R-related conditions. Advanced modeling of protein sequence and biophysical properties (such as structural, functional, and spatial information, amino acid conservation, physicochemical variation, residue mobility, and thermodynamic stability) performed at Invitae indicates that this missense variant is expected to disrupt TBXA2R protein function. In summary, the available evidence is currently insufficient to determine the role of this variant in disease. Therefore, it has been classified as a Variant of Uncertain Significance.

NM_001060.6(TBXA2R):c.934C>T (p.Arg312Cys)

Gene: TBXA2R (thromboxane A2 receptor; minus strand). Cytogenetic location: 19p13.3.
Variant type: single nucleotide variant.
Coding change: c.934C>T on transcript NM_001060.6 (MANE Select); coding-DNA position 934, C replaced by T.
Protein change: p.Arg312Cys; replaces arginine 312 with cysteine.
Molecular consequence: missense variant.
Genome position (GRCh38, 1-based): chr19:3,595,786, G>A on the plus strand (C>T on the coding strand, the complement: TBXA2R is on the minus strand). VCF-style: chr19-3595786-G-A. GRCh37 (hg19) VCF-style: chr19-3595784-G-A.
Other names: c.934C>T, p.Arg312Cys (NM_201636.3); short protein forms R312C.
Identifiers: ClinVar variation 2981731 (VCV002981731.3), dbSNP rs1342212498, ClinGen allele CA403330496.